The following is an entry in ClinVar:

NM_006231.4(POLE):c.2058C>G (p.Ile686Met)

Gene: POLE (DNA polymerase epsilon, catalytic subunit; minus strand). Cytogenetic location: 12q24.33.
Variant type: single nucleotide variant.
Coding change: c.2058C>G on transcript NM_006231.4 (MANE Select); coding-DNA position 2058, C replaced by G.
Protein change: p.Ile686Met; replaces isoleucine 686 with methionine.
Molecular consequence: missense variant.
Genome position (GRCh38, 1-based): chr12:132,668,471, G>C on the plus strand (C>G on the coding strand, the complement: POLE is on the minus strand). VCF-style: chr12-132668471-G-C. GRCh37 (hg19) VCF-style: chr12-133245057-G-C.
Other names: short protein forms I686M.
Identifiers: ClinVar variation 847497 (VCV000847497.10), dbSNP rs140254249, ClinGen allele CA387354304.

ClinVar aggregate classification (germline): Uncertain significance. Review status: criteria provided, multiple submitters, no conflicts (2 of 4 stars). 3 submissions from 3 submitters: Uncertain significance (3). Last evaluated 2025-03-27.

Conditions:
Hereditary cancer-predisposing syndrome. Also called: Tumor predisposition; Hereditary neoplastic syndrome; Neoplastic Syndromes, Hereditary; Hereditary Cancer Syndrome. Identifiers: Orphanet 140162, MedGen C0027672, MeSH D009386, MONDO:0015356.

Allele frequency attached by ClinVar (database versions not stated): TOPMed 0.00001.
gnomAD v4.1: 1 of 1,608,396 alleles (0.000062%); highest among the groups gnomAD compares: Non-Finnish European, 0.000085%; no homozygotes.

Submissions (3):

Labcorp Genetics (formerly Invitae), Labcorp
Classification: Uncertain significance. Last evaluated: 2025-03-27. Review status: criteria provided, single submitter. Criteria: Invitae Variant Classification Sherloc (09022015). Collection method: clinical testing. Allele origin: germline.
Comment: This sequence change replaces isoleucine, which is neutral and non-polar, with methionine, which is neutral and non-polar, at codon 686 of the POLE protein (p.Ile686Met). This variant is not present in population databases (gnomAD no frequency). This variant has not been reported in the literature in individuals affected with POLE-related conditions. ClinVar contains an entry for this variant (Variation ID: 847497). Invitae Evidence Modeling of protein sequence and biophysical properties (such as structural, functional, and spatial information, amino acid conservation, physicochemical variation, residue mobility, and thermodynamic stability) indicates that this missense variant is not expected to disrupt POLE protein function with a negative predictive value of 80%. In summary, the available evidence is currently insufficient to determine the role of this variant in disease. Therefore, it has been classified as a Variant of Uncertain Significance.

Ambry Genetics
Classification: Uncertain significance for Hereditary cancer-predisposing syndrome. Last evaluated: 2024-03-17. Review status: criteria provided, single submitter. Criteria: Ambry Variant Classification Scheme 2023. Collection method: clinical testing. Allele origin: germline.
Comment: The p.I686M variant (also known as c.2058C>G), located in coding exon 19 of the POLE gene, results from a C to G substitution at nucleotide position 2058. The isoleucine at codon 686 is replaced by methionine, an amino acid with highly similar properties. This amino acid position is conserved. In addition, this alteration is predicted to be tolerated by in silico analysis. Based on the available evidence, the clinical significance of this alteration remains unclear.

GeneDx
Classification: Uncertain significance. Last evaluated: 2020-01-16. Review status: criteria provided, single submitter. Criteria: GeneDx Variant Classification Process June 2021. Collection method: clinical testing. Allele origin: germline. Affected: yes.
Comment: Not observed in large population cohorts (Lek 2016); In silico analysis, which includes protein predictors and evolutionary conservation, supports that this variant does not alter protein structure/function; Has not been previously published as pathogenic or benign to our knowledge